The following is an entry in ClinVar:

ClinVar aggregate classification (germline): Uncertain significance (1 of 4 stars; one submission).

Conditions:
Pyridoxal phosphate-responsive seizures (PNPOD). Also called: Pyridoxamine 5-Prime-Phosphate Oxidase Deficiency; Pyridoxine-5'-phosphate oxidase deficiency; Pyridoxal 5'-Phosphate (PLP)-Dependent Epilepsy; EPILEPTIC ENCEPHALOPATHY, NEONATAL, PNPO-RELATED; SEIZURES, PYRIDOXINE-RESISTANT, PLP-SENSITIVE. Identifiers: Orphanet 79096, MedGen C1864723, MONDO:0012407, OMIM 610090. Disease mechanism: loss of function.

Allele frequency attached by ClinVar (database versions not stated): gnomAD 0.00001; TOPMed 0.00001; ExAC 0.00002; gnomAD exomes 0.00002.

Submission:

Labcorp Genetics (formerly Invitae), Labcorp
Classification: Uncertain significance for Pyridoxal phosphate-responsive seizures. Last evaluated: 2025-09-02. Review status: criteria provided, single submitter. Criteria: Invitae Variant Classification Sherloc (09022015). Collection method: clinical testing. Allele origin: germline.
Comment: This sequence change replaces proline, which is neutral and non-polar, with serine, which is neutral and polar, at codon 73 of the PNPO protein (p.Pro73Ser). This variant is present in population databases (rs781092815, gnomAD 0.004%). This variant has not been reported in the literature in individuals affected with PNPO-related conditions. ClinVar contains an entry for this variant (Variation ID: 1007971). An algorithm developed to predict the effect of missense changes on protein structure and function (PolyPhen-2) suggests that this variant is likely to be tolerated. In summary, the available evidence is currently insufficient to determine the role of this variant in disease. Therefore, it has been classified as a Variant of Uncertain Significance.

NM_018129.4(PNPO):c.217C>T (p.Pro73Ser)

Gene: PNPO (pyridoxamine 5'-phosphate oxidase; plus strand). Cytogenetic location: 17q21.32.
Variant type: single nucleotide variant.
Coding change: c.217C>T on transcript NM_018129.4 (MANE Select); coding-DNA position 217, C replaced by T.
Protein change: p.Pro73Ser; replaces proline 73 with serine.
Molecular consequence: missense variant.
Genome position (GRCh38, 1-based): chr17:47,943,384, C>T. VCF-style: chr17-47943384-C-T. GRCh37 (hg19) VCF-style: chr17-46020750-C-T.
Other names: short protein forms P73S.
Identifiers: ClinVar variation 1007971 (VCV001007971.7), dbSNP rs781092815, ClinGen allele CA8629121.